The following is an entry in ClinVar:

NM_138383.3(MTSS2):c.457G>C (p.Glu153Gln)

Gene: MTSS2 (MTSS I-BAR domain containing 2; minus strand). Cytogenetic location: 16q22.1.
Variant type: single nucleotide variant.
Coding change: c.457G>C on transcript NM_138383.3 (MANE Select); coding-DNA position 457, G replaced by C.
Protein change: p.Glu153Gln; replaces glutamic acid 153 with glutamine.
Molecular consequence: missense variant.
Genome position (GRCh38, 1-based): chr16:70,679,630, C>G on the plus strand (G>C on the coding strand, the complement: MTSS2 is on the minus strand). VCF-style: chr16-70679630-C-G. GRCh37 (hg19) VCF-style: chr16-70713533-C-G.
Other names: short protein forms E153Q.
Identifiers: ClinVar variation 4690175 (VCV004690175.1).

ClinVar aggregate classification (germline): Uncertain significance (1 of 4 stars; one submission).

Submission:

GeneDx
Classification: Uncertain significance. Last evaluated: 2025-08-01. Review status: criteria provided, single submitter. Criteria: GeneDx Variant Classification Process June 2021. Collection method: clinical testing. Allele origin: germline. Affected: yes.
Comment: Not observed at significant frequency in large population cohorts (gnomAD); Alters the last nucleotide of the exon and is predicted to damage the splice donor site but the effect on protein function is unclear; In silico analysis suggests that this missense variant does not alter protein structure/function; Has not been previously published as pathogenic or benign to our knowledge